The following is an entry in ClinVar:

ClinVar aggregate classification (germline): Uncertain significance (1 of 4 stars; one submission).

Submission:

GeneDx
Classification: Uncertain significance. Last evaluated: 2024-03-15. Review status: criteria provided, single submitter. Criteria: GeneDx Variant Classification Process June 2021. Collection method: clinical testing. Allele origin: germline. Affected: yes.
Comment: Not observed at significant frequency in large population cohorts (gnomAD); Frameshift variant predicted to result in protein truncation or nonsense mediated decay in a gene for which loss-of-function is not an established mechanism of disease; Has not been previously published as pathogenic or benign to our knowledge; Variants in candidate genes are classified as variants of uncertain significance in accordance with ACMG guidelines (PMID: 25741868)

NM_024721.5(ZFHX4):c.4062del (p.Leu1355fs)

Gene: ZFHX4 (zinc finger homeobox 4; plus strand). Cytogenetic location: 8q21.13.
Variant type: Deletion.
Coding change: c.4062del on transcript NM_024721.5 (MANE Select); coding-DNA position 4062, one base deleted (C; older notation c.4062delC).
Protein change: p.Leu1355fs; shifts the reading frame from leucine 1355.
Molecular consequence: frameshift variant.
Genome position (GRCh38, 1-based): chr8:76,850,983, C deleted; the last of 3 consecutive C bases (chr8:76,850,981-76,850,983); deleting any one gives the same sequence. VCF-style (leftmost placement, unchanged base first): chr8-76850980-AC-A. GRCh37 (hg19) VCF-style: chr8-77763216-AC-A.
Other names: c.3984del, p.Leu1329fs (NM_001410934.1); short protein forms L1329fs, L1355fs.
Identifiers: ClinVar variation 3900323 (VCV003900323.1).